The following is an entry in ClinVar:

ClinVar aggregate classification (germline): Likely benign. Review status: criteria provided, multiple submitters, no conflicts (2 of 4 stars). 2 submissions from 2 submitters: Likely benign (2). Last evaluated 2026-03-30.

Conditions:
GNAS-related disorder. Identifiers: MedGen CN380105.

Submissions (2):

PreventionGenetics, part of Exact Sciences
Classification: Likely benign for GNAS-related condition. Last evaluated: 2026-03-30. Review status: criteria provided, single submitter. Criteria: ACMG Guidelines, 2015. Collection method: clinical testing. Allele origin: germline.
Comment: This variant is classified as likely benign based on ACMG/AMP sequence variant interpretation guidelines (Richards et al. 2015 PMID: 25741868, with internal and published modifications).

Blueprint Genetics
Classification: Likely benign. Last evaluated: 2024-10-23. Review status: criteria provided, single submitter. Criteria: ACMG Guidelines, 2015. Collection method: clinical testing. Allele origin: germline.

NM_080425.4(GNAS):c.1323CGACTCCGGGGCGGCCCCTGACGCCCCAGCCGATCC[1] (p.443SGAAPDAPADPD[1])

Gene: GNAS (GNAS complex locus; plus strand). Cytogenetic location: 20q13.32.
Variant type: Microsatellite.
Coding change: c.1323CGACTCCGGGGCGGCCCCTGACGCCCCAGCCGATCC[1] on transcript NM_080425.4 (MANE Plus Clinical); one copy of the 36-base unit CGACTCCGGGGCGGCCCCTGACGCCCCAGCCGATCC starting at c.1323; the reference has two copies in a row; one copy, 36 bases deleted.
Protein change: p.443SGAAPDAPADPD[1].
Molecular consequence: inframe deletion. On other transcripts: intron variant (3).
Genome position (GRCh38, 1-based): chr20:58,854,624-58,854,659, 36 bases deleted; deleting any 36 consecutive bases within chr20:58,854,573-58,854,659 gives the same sequence; the position shown is the placement nearest the transcript's 3' end. GRCh37 (hg19), VCF-style position (the base before the change): chr20:57,429,627.
Other names: c.1136CGACTCCGGGGCGGCCCCTGACGCCCCAGCCGATCC[1], p.379PTPGRPLTPQPI[1] (NM_001077490.3, NM_001309883.1); c.1323CGACTCCGGGGCGGCCCCTGACGCCCCAGCCGATCC[1], p.443SGAAPDAPADPD[1] (NM_001410913.1); c.*42+13738_*42+13773del (NM_016592.5); c.43+13738_43+13773del (NM_001410912.1); c.-39+12749_-39+12784del (NM_001309861.2).
Identifiers: ClinVar variation 2634379 (VCV002634379.5), dbSNP rs771647935, ClinGen allele CA9926674.
Genomic context (GRCh38, chr20:58,854,572, plus strand): 5'-CACCAGCCGATCCTGACTCCGGGGCATTCGCAGCCGATCCCGACTCCGGGGCAGCCCCTG[CCGCCCCAGCCGATCCCGACTCCGGGGCGGCCCCTGA>C]CGCCCCAGCCGATCCCGACTCCGGGGCGGCCCCTGACGCCCCAGCCGATCCAGATGCCGG-3'